The following is an entry in ClinVar:

NM_000535.7(PMS2):c.950A>G (p.Gln317Arg)

Gene: PMS2 (PMS1 homolog 2, mismatch repair system component; minus strand). Cytogenetic location: 7p22.1.
Variant type: single nucleotide variant.
Coding change: c.950A>G on transcript NM_000535.7 (MANE Select); coding-DNA position 950, A replaced by G.
Protein change: p.Gln317Arg; replaces glutamine 317 with arginine.
Molecular consequence: missense variant. On other transcripts: non-coding transcript variant (1).
Genome position (GRCh38, 1-based): chr7:5,992,011, T>C on the plus strand (A>G on the coding strand, the complement: PMS2 is on the minus strand). VCF-style: chr7-5992011-T-C. GRCh37 (hg19) VCF-style: chr7-6031642-T-C.
Other names: c.545A>G, p.Gln182Arg (NM_001322003.2, NM_001322004.2, NM_001322005.2 and 2 more transcripts); c.950A>G, p.Gln317Arg (NM_001322006.2, NM_001322014.2); c.632A>G, p.Gln211Arg (NM_001322007.2, NM_001322008.2); c.17A>G, p.Gln6Arg (NM_001322011.2, NM_001322012.2); c.377A>G, p.Gln126Arg (NM_001322013.2); c.641A>G, p.Gln214Arg (NM_001322015.2); short protein forms Q317R, Q126R, Q182R, Q211R, Q6R, Q214R.
Identifiers: ClinVar variation 577182 (VCV000577182.15), dbSNP rs537024768, ClinGen allele CA153232511.

ClinVar aggregate classification (germline): Uncertain significance. Review status: criteria provided, multiple submitters, no conflicts (2 of 4 stars). 3 submissions from 3 submitters: Uncertain significance (3). Last evaluated 2024-09-23.

Conditions:
Hereditary cancer-predisposing syndrome. Also called: Tumor predisposition; Hereditary neoplastic syndrome; Hereditary Cancer Syndrome; Neoplastic Syndromes, Hereditary. Identifiers: Orphanet 140162, MedGen C0027672, MeSH D009386, MONDO:0015356.
Hereditary nonpolyposis colorectal neoplasms. Identifiers: MedGen C0009405, MeSH D003123.

Allele frequency attached by ClinVar (database versions not stated): TOPMed 0.00001.

Submissions (3):

Labcorp Genetics (formerly Invitae), Labcorp
Classification: Uncertain significance for Hereditary nonpolyposis colorectal neoplasms. Last evaluated: 2024-09-23. Review status: criteria provided, single submitter. Criteria: Invitae Variant Classification Sherloc (09022015). Collection method: clinical testing. Allele origin: germline.
Comment: This sequence change replaces glutamine, which is neutral and polar, with arginine, which is basic and polar, at codon 317 of the PMS2 protein (p.Gln317Arg). This variant is not present in population databases (gnomAD no frequency). This variant has not been reported in the literature in individuals affected with PMS2-related conditions. ClinVar contains an entry for this variant (Variation ID: 577182). Invitae Evidence Modeling of protein sequence and biophysical properties (such as structural, functional, and spatial information, amino acid conservation, physicochemical variation, residue mobility, and thermodynamic stability) has been performed for this missense variant. However, the output from this modeling did not meet the statistical confidence thresholds required to predict the impact of this variant on PMS2 protein function. In summary, the available evidence is currently insufficient to determine the role of this variant in disease. Therefore, it has been classified as a Variant of Uncertain Significance.

Genetic Services Laboratory, University of Chicago
Classification: Uncertain significance. Last evaluated: 2021-09-23. Review status: criteria provided, single submitter. Criteria: ACMG Guidelines, 2015. Collection method: clinical testing. Allele origin: germline. Affected: no.
Comment: DNA sequence analysis of the PMS2 gene demonstrated a sequence change, c.950A>G, in exon 9 that results in an amino acid change, p.Gln317Arg. This sequence change has not been described in population databases including ExAC and gnomAD (dbSNP rs537024768). The p.Gln317Arg change affects a highly conserved amino acid residue located in a domain of the PMS2 protein that is known to be functional. The p.Gln317Arg substitution appears to be deleterious using several in-silico pathogenicity prediction tools (SIFT, PolyPhen2, Align GVGD, REVEL). This sequence change does not appear to have been previously described in individuals with PMS2-related disorders, however a truncating variant at this position has been reported in an individual with early-age onset colorectal cancer and whose tumor showed loss of PMS2 by immunohistochemistry (PMID: 186029220). Due to insufficient evidences and the lack of functional studies, the clinical significance of the p.Gln317Arg change remains unknown at this time.

Ambry Genetics
Classification: Uncertain significance for Hereditary cancer-predisposing syndrome. Last evaluated: 2020-09-17. Review status: criteria provided, single submitter. Criteria: Ambry Variant Classification Scheme 2023. Collection method: clinical testing. Allele origin: germline.
Comment: The p.Q317R variant (also known as c.950A>G), located in coding exon 9 of the PMS2 gene, results from an A to G substitution at nucleotide position 950. The glutamine at codon 317 is replaced by arginine, an amino acid with highly similar properties. This amino acid position is highly conserved in available vertebrate species. In addition, this alteration is predicted to be deleterious by in silico analysis. Since supporting evidence is limited at this time, the clinical significance of this alteration remains unclear.